The following is an entry in ClinVar:

ClinVar aggregate classification (germline): Uncertain significance (1 of 4 stars; one submission).

Submission:

Labcorp Genetics (formerly Invitae), Labcorp
Classification: Uncertain significance. Last evaluated: 2023-02-22. Review status: criteria provided, single submitter. Criteria: Invitae Variant Classification Sherloc (09022015). Collection method: clinical testing. Allele origin: germline.
Comment: In summary, the available evidence is currently insufficient to determine the role of this variant in disease. Therefore, it has been classified as a Variant of Uncertain Significance. Algorithms developed to predict the effect of sequence changes on RNA splicing suggest that this variant may disrupt the consensus splice site. An algorithm developed to predict the effect of missense changes on protein structure and function (PolyPhen-2) suggests that this variant is likely to be disruptive. This variant has not been reported in the literature in individuals affected with DTHD1-related conditions. This variant is not present in population databases (gnomAD no frequency). This sequence change replaces lysine, which is basic and polar, with asparagine, which is neutral and polar, at codon 492 of the DTHD1 protein (p.Lys492Asn).

NM_001170700.3(DTHD1):c.2346G>T (p.Lys782Asn)

Gene: DTHD1 (death domain containing 1; plus strand). Cytogenetic location: 4p14.
Variant type: single nucleotide variant.
Coding change: c.2346G>T on transcript NM_001170700.3 (MANE Select); coding-DNA position 2346, G replaced by T.
Protein change: p.Lys782Asn; replaces lysine 782 with asparagine.
Molecular consequence: missense variant. On other transcripts: non-coding transcript variant (1), intron variant (1).
Genome position (GRCh38, 1-based): chr4:36,339,117, G>T. VCF-style: chr4-36339117-G-T. GRCh37 (hg19) VCF-style: chr4-36340739-G-T.
Other names: c.1476G>T, p.Lys492Asn (NM_001136536.5); c.1408-4385G>T (NM_001378435.1); short protein forms K492N, K782N.
Identifiers: ClinVar variation 2839722 (VCV002839722.3), dbSNP rs2529874584, ClinGen allele CA356681879.
Genomic context (GRCh38, chr4:36,339,117, plus strand): 5'-TTATTCACAAATTAATTACTTCTTCTGTTTATTTTGTGTTCCTTTCCCCCAATAGCATAA[G>T]AAATTAATCAACCGTCCACAGAGTACCAAAAGAGTTTCTAAGGATCCTGTAGGTGAGGAA-3'
Protein context (NP_001164171.2, residues 772-792): CKLPLKLPKH[Lys782Asn]KLINRPQSTK